The following is an entry in ClinVar:

NM_005633.4(SOS1):c.3709C>G (p.Pro1237Ala)

Gene: SOS1 (SOS Ras/Rac guanine nucleotide exchange factor 1; minus strand). Cytogenetic location: 2p22.1.
Variant type: single nucleotide variant.
Coding change: c.3709C>G on transcript NM_005633.4 (MANE Select); coding-DNA position 3709, C replaced by G.
Protein change: p.Pro1237Ala; replaces proline 1237 with alanine.
Molecular consequence: missense variant.
Genome position (GRCh38, 1-based): chr2:38,986,117, G>C on the plus strand (C>G on the coding strand, the complement: SOS1 is on the minus strand). VCF-style: chr2-38986117-G-C. GRCh37 (hg19) VCF-style: chr2-39213258-G-C.
Other names: c.3688C>G, p.Pro1230Ala (NM_001382394.1); c.3664C>G, p.Pro1222Ala (NM_001382395.1); short protein forms P1237A, P1222A, P1230A.
Identifiers: ClinVar variation 336015 (VCV000336015.27), dbSNP rs371408734, ClinGen allele CA1624123.
Genomic context (GRCh38, chr2:38,986,117, plus strand): 5'-TAAAGGGGGAAGGGCTGTTTGGGAAGAAGGCATTGCCATGGTCACTTTTTTTGCCCAAAG[G>C]GGGAGGTTGGAGATGTAGTGGTGAGCTTGAGAAAACATCAGGTGTCCTCACAGGTTCTCG-3'
Protein context (NP_005624.2, residues 1227-1247): SSSPLHLQPP[Pro1237Ala]LGKKSDHGNA

ClinVar aggregate classification (germline): Conflicting classifications of pathogenicity. Review status: criteria provided, conflicting classifications (1 of 4 stars). 10 submissions from 9 submitters: Uncertain significance (5); Benign (1); Likely benign (3). 1 of the submissions does not count toward it. Last evaluated 2026-01-07.

Conditions:
Noonan syndrome (NS). Also called: Noonan's syndrome. Identifiers: Orphanet 648, MedGen C0028326, MeSH D009634, MONDO:0018997. Disease mechanism: gain of function.
Noonan syndrome 4 (NS4). Also called: SOS1-Related Noonan Syndrome; NOONAN SYNDROME WITH PIGMENTED VILLONODULAR SYNOVITIS. Identifiers: Orphanet 648, MedGen C1853120, MONDO:0012547, OMIM 610733.
Noonan syndrome and Noonan-related syndrome. Identifiers: Orphanet 98733, MedGen C5681679, MONDO:0020297.
Cardiovascular phenotype. Identifiers: MedGen CN230736.
Fibromatosis, gingival, 1 (GINGF1). Identifiers: Orphanet 2024, MedGen C4551558, MONDO:0007609, OMIM 135300.
RASopathy. Also called: Noonan spectrum disorder; rasopathies. Identifiers: Orphanet 536391, MedGen C5555857, MONDO:0021060.

Allele frequency attached by ClinVar (database versions not stated): TOPMed 0.00009; ESP Exome Variant Server 0.00015; 1000 Genomes Project 30x 0.00016; gnomAD 0.00016; 1000 Genomes Project 0.00020.
gnomAD v4.1: 145 of 1,613,836 alleles (0.009%); highest among the groups gnomAD compares: Middle Eastern, 0.05%; no homozygotes.

Submissions (10):

Labcorp Genetics (formerly Invitae), Labcorp
Classification: Likely benign for RASopathy. Last evaluated: 2026-01-07. Review status: criteria provided, single submitter. Criteria: Invitae Variant Classification Sherloc (09022015). Collection method: clinical testing. Allele origin: germline.

Women's Health and Genetics/Laboratory Corporation of America, LabCorp
Classification: Likely benign. Last evaluated: 2025-04-14. Review status: criteria provided, single submitter. Criteria: LabCorp Variant Classification Summary - May 2015. Collection method: clinical testing. Allele origin: germline.
Comment: Variant summary: SOS1 c.3709C>G (p.Pro1237Ala) results in a non-conservative amino acid change in the encoded protein sequence. Four of five in-silico tools predict a damaging effect of the variant on protein function. The variant allele was found at a frequency of 7.6e-05 in 251126 control chromosomes, predominantly at a frequency of 9.7e-05 within the Non-Finnish European subpopulation in the gnomAD database. The observed variant frequency within Non-Finnish European control individuals in the gnomAD database is approximately 3.23 fold of the estimated maximal expected allele frequency for a pathogenic variant in SOS1 causing Noonan Syndrome And Related Conditions phenotype (3e-05). c.3709C>G has been reported in the literature together with other variants in an individual affected with pediatric medulloblastoma, however without evidence supporting a causative role for the variant (Zhang 2015). These report(s) do not provide unequivocal conclusions about association of the variant with Noonan Syndrome And Related Conditions. To our knowledge, no experimental evidence demonstrating an impact on protein function has been reported. The following publication has been ascertained in the context of this evaluation (PMID: 26580448). ClinVar contains an entry for this variant (Variation ID: 336015). Based on the evidence outlined above, the variant was classified as likely benign.

GeneDx
Classification: Uncertain significance. Last evaluated: 2021-03-30. Review status: criteria provided, single submitter. Criteria: GeneDx Variant Classification Process June 2021. Collection method: clinical testing. Allele origin: germline. Affected: yes.
Comment: Missense variants in this gene are often considered pathogenic (Stenson et al., 2014); In silico analysis supports that this missense variant has a deleterious effect on protein structure/function; Has not been previously published as pathogenic or benign to our knowledge

Genome Diagnostics Laboratory, The Hospital for Sick Children
Classification: Uncertain significance for Noonan syndrome and Noonan-related syndrome. Last evaluated: 2020-10-30. Review status: criteria provided, single submitter. Criteria: ACMG Guidelines, 2015. Collection method: clinical testing. Allele origin: germline.

St. Jude Molecular Pathology, St. Jude Children's Research Hospital
Classification: Uncertain significance for Noonan syndrome. Last evaluated: 2020-10-07. Review status: criteria provided, single submitter. Criteria: St. Jude Assertion Criteria 2020. Collection method: clinical testing. Allele origin: germline.
Comment: The SOS1 c.3709C>G (p.Pro1237Ala) missense change has a maximum subpopulation frequency of 0.012% in gnomAD v2.1.1. In silico tools are not in agreement about a tolerated or damaging effect on the gene or protein product and functional studies have not been performed. To our knowledge, this variant has not been reported in individuals with Noonan syndrome (literature review and internal data). A different missense change at the same amino acid residue, c.3709C>A (p.Pro1237Thr), has been determined to be likely benign by the ClinGen RASopathy Variant Curation Expert Panel (ClinVar Accession: SCV000616503.3). In summary, this variant does not meet any of the ACMG/AMP criteria and is thus classified as of uncertain significance.

Ambry Genetics
Classification: Likely benign for Cardiovascular phenotype. Last evaluated: 2019-09-20. Review status: criteria provided, single submitter. Criteria: Ambry Variant Classification Scheme 2023. Collection method: clinical testing. Allele origin: germline.

Fulgent Genetics
Classification: Uncertain significance for Fibromatosis, gingival, 1; Noonan syndrome 4. Last evaluated: 2018-10-31. Review status: criteria provided, single submitter. Criteria: ACMG Guidelines, 2015. Collection method: clinical testing. Allele origin: unknown.

Illumina Laboratory Services, Illumina
Classification: Benign for Fibromatosis, gingival, 1. Last evaluated: 2018-01-12. Review status: criteria provided, single submitter. Criteria: ICSL Variant Classification Criteria 13 December 2019. Collection method: clinical testing. Allele origin: germline.
Comment: This variant was observed in the ICSL laboratory as part of a predisposition screen in an ostensibly healthy population. It had not been previously curated by ICSL or reported in the Human Gene Mutation Database (HGMD: prior to June 1st, 2018), and was therefore a candidate for classification through an automated scoring system. Utilizing variant allele frequency, disease prevalence and penetrance estimates, and inheritance mode, an automated score was calculated to assess if this variant is too frequent to cause the disease. Based on the score and internal cut-off values, a variant classified as benign is not then subjected to further curation. The score for this variant resulted in a classification of benign for this disease.

Illumina Laboratory Services, Illumina
Classification: Uncertain significance for Noonan syndrome 4. Last evaluated: 2018-01-12. Review status: criteria provided, single submitter. Criteria: ICSL Variant Classification Criteria 13 December 2019. Collection method: clinical testing. Allele origin: germline.

Service de Génétique Moléculaire, Hôpital Robert Debré
Classification: Uncertain significance for Noonan syndrome. Review status: no assertion criteria provided. Collection method: clinical testing. Allele origin: unknown. Affected: yes. Not counted in ClinVar's aggregate classification.

Literature cited by the submitters: PubMed 26580448 (cited by Women's Health and Genetics/Laboratory Corporation of America, LabCorp).